The following is an entry in ClinVar:

NM_000222.3(KIT):c.483G>T (p.Arg161Ser)

Gene: KIT (KIT proto-oncogene, receptor tyrosine kinase; plus strand). Cytogenetic location: 4q12.
Variant type: single nucleotide variant.
Coding change: c.483G>T on transcript NM_000222.3 (MANE Select); coding-DNA position 483, G replaced by T.
Protein change: p.Arg161Ser; replaces arginine 161 with serine.
Molecular consequence: missense variant.
Genome position (GRCh38, 1-based): chr4:54,698,429, G>T. VCF-style: chr4-54698429-G-T. GRCh37 (hg19) VCF-style: chr4-55564595-G-T.
Other names: c.483G>T, p.Arg161Ser (NM_001093772.2, NM_001385284.1, NM_001385285.1 and 4 more transcripts); short protein forms R161S.
Identifiers: ClinVar variation 2800766 (VCV002800766.3), dbSNP rs1720229390, ClinGen allele CA356897682.

ClinVar aggregate classification (germline): Uncertain significance (1 of 4 stars; one submission).

Conditions:
Gastrointestinal stromal tumor. Also called: Gastrointestinal stromal tumor, somatic; Gastrointestinal stroma tumor. Identifiers: Orphanet 44890, MedGen C0238198, MeSH D046152, MONDO:0011719, OMIM 606764, HP:0100723.

Allele frequency attached by ClinVar (database versions not stated): gnomAD 0.00001.
gnomAD v4.1: 1 of 1,614,062 alleles (0.000062%); highest among the groups gnomAD compares: Non-Finnish European, 0.000085%; no homozygotes.

Submission:

Labcorp Genetics (formerly Invitae), Labcorp
Classification: Uncertain significance for Gastrointestinal stromal tumor. Last evaluated: 2023-05-28. Review status: criteria provided, single submitter. Criteria: Invitae Variant Classification Sherloc (09022015). Collection method: clinical testing. Allele origin: germline.
Comment: This sequence change replaces arginine, which is basic and polar, with serine, which is neutral and polar, at codon 161 of the KIT protein (p.Arg161Ser). This variant is not present in population databases (gnomAD no frequency). This variant has not been reported in the literature in individuals affected with KIT-related conditions. An algorithm developed to predict the effect of missense changes on protein structure and function (PolyPhen-2) suggests that this variant is likely to be tolerated. In summary, the available evidence is currently insufficient to determine the role of this variant in disease. Therefore, it has been classified as a Variant of Uncertain Significance.